The following is an entry in ClinVar:

NM_000179.3(MSH6):c.1859G>A (p.Gly620Asp)

Gene: MSH6 (mutS homolog 6; plus strand). Cytogenetic location: 2p16.3.
Variant type: single nucleotide variant.
Coding change: c.1859G>A on transcript NM_000179.3 (MANE Select); coding-DNA position 1859, G replaced by A.
Protein change: p.Gly620Asp; replaces glycine 620 with aspartic acid.
Molecular consequence: missense variant.
Genome position (GRCh38, 1-based): chr2:47,799,842, G>A. VCF-style: chr2-47799842-G-A. GRCh37 (hg19) VCF-style: chr2-48026981-G-A.
Other names: c.1469G>A, p.Gly490Asp (NM_001281492.2); c.953G>A, p.Gly318Asp (NM_001281493.2, NM_001281494.2, NM_001406811.1 and 6 more transcripts); c.1955G>A, p.Gly652Asp (NM_001406795.1, NM_001406802.1); c.1859G>A, p.Gly620Asp (NM_001406796.1, NM_001406798.1, NM_001406800.1 and 3 more transcripts); c.1562G>A, p.Gly521Asp (NM_001406797.1, NM_001406801.1, NM_001406805.1 and 10 more transcripts); c.1334G>A, p.Gly445Asp (NM_001406799.1, NM_001406806.1, NM_001406807.1); c.1781G>A, p.Gly594Asp (NM_001406804.1); c.1865G>A, p.Gly622Asp (NM_001406813.1); and 1 more; short protein forms G445D, G594D, G620D, G318D, G521D, G564D, G622D, G490D.
Identifiers: ClinVar variation 1781459 (VCV001781459.5), dbSNP rs1669385083, ClinGen allele CA346749813.

ClinVar aggregate classification (germline): Uncertain significance. Review status: criteria provided, multiple submitters, no conflicts (2 of 4 stars). 2 submissions from 2 submitters: Uncertain significance (2). Last evaluated 2023-10-22.

Conditions:
Hereditary nonpolyposis colorectal neoplasms. Identifiers: MedGen C0009405, MeSH D003123.
Hereditary cancer-predisposing syndrome. Also called: Neoplastic Syndromes, Hereditary; Tumor predisposition; Hereditary Cancer Syndrome; Hereditary neoplastic syndrome. Identifiers: Orphanet 140162, MedGen C0027672, MeSH D009386, MONDO:0015356.

Submissions (2):

Labcorp Genetics (formerly Invitae), Labcorp
Classification: Uncertain significance for Hereditary nonpolyposis colorectal neoplasms. Last evaluated: 2023-10-22. Review status: criteria provided, single submitter. Criteria: Invitae Variant Classification Sherloc (09022015). Collection method: clinical testing. Allele origin: germline.
Comment: This sequence change replaces glycine, which is neutral and non-polar, with aspartic acid, which is acidic and polar, at codon 620 of the MSH6 protein (p.Gly620Asp). This variant is not present in population databases (gnomAD no frequency). This variant has not been reported in the literature in individuals affected with MSH6-related conditions. ClinVar contains an entry for this variant (Variation ID: 1781459). Advanced modeling of protein sequence and biophysical properties (such as structural, functional, and spatial information, amino acid conservation, physicochemical variation, residue mobility, and thermodynamic stability) performed at Invitae indicates that this missense variant is not expected to disrupt MSH6 protein function with a negative predictive value of 95%. In summary, the available evidence is currently insufficient to determine the role of this variant in disease. Therefore, it has been classified as a Variant of Uncertain Significance.

Ambry Genetics
Classification: Uncertain significance for Hereditary cancer-predisposing syndrome. Last evaluated: 2022-06-01. Review status: criteria provided, single submitter. Criteria: Ambry Variant Classification Scheme 2023. Collection method: clinical testing. Allele origin: germline.
Comment: The p.G620D variant (also known as c.1859G>A), located in coding exon 4 of the MSH6 gene, results from a G to A substitution at nucleotide position 1859. The glycine at codon 620 is replaced by aspartic acid, an amino acid with similar properties. This amino acid position is not well conserved in available vertebrate species. In addition, the in silico prediction for this alteration is inconclusive. Since supporting evidence is limited at this time, the clinical significance of this alteration remains unclear.